The following is an entry in ClinVar:

NM_139318.5(KCNH5):c.2549A>G (p.Glu850Gly)

Gene: KCNH5 (potassium voltage-gated channel subfamily H member 5; minus strand). Cytogenetic location: 14q23.2.
Variant type: single nucleotide variant.
Coding change: c.2549A>G on transcript NM_139318.5 (MANE Select); coding-DNA position 2549, A replaced by G.
Protein change: p.Glu850Gly; replaces glutamic acid 850 with glycine.
Molecular consequence: missense variant. On other transcripts: 3 prime UTR variant (1).
Genome position (GRCh38, 1-based): chr14:62,707,926, T>C on the plus strand (A>G on the coding strand, the complement: KCNH5 is on the minus strand). VCF-style: chr14-62707926-T-C. GRCh37 (hg19) VCF-style: chr14-63174644-T-C.
Other names: c.2549A>G (NM_139318.4); c.*516A>G (NM_172375.3); short protein forms E850G.
Identifiers: ClinVar variation 2699005 (VCV002699005.5), dbSNP rs2502653358, ClinGen allele CA390100356.

ClinVar aggregate classification (germline): Uncertain significance. Review status: criteria provided, multiple submitters, no conflicts (2 of 4 stars). 2 submissions from 2 submitters: Uncertain significance (2). Last evaluated 2025-08-16.

Conditions:
Early-infantile DEE. Also called: Ohtahara syndrome; Early infantile epileptic encephalopathy with suppression bursts; Early infantile epileptic encephalopathy. Identifiers: Orphanet 1934, MedGen C0393706, MONDO:0800491.

Allele frequency attached by ClinVar (database versions not stated): gnomAD exomes below 0.00001.
gnomAD v4.1: 2 of 1,614,210 alleles (0.00012%); highest among the groups gnomAD compares: Non-Finnish European, 0.00017%; no homozygotes.

Submissions (2):

GeneDx
Classification: Uncertain significance. Last evaluated: 2025-08-16. Review status: criteria provided, single submitter. Criteria: GeneDx Variant Classification Process June 2021. Collection method: clinical testing. Allele origin: germline.
Comment: Not observed at significant frequency in large population cohorts (gnomAD); In silico analysis suggests that this missense variant does not alter protein structure/function; Has not been previously published as pathogenic or benign to our knowledge

Labcorp Genetics (formerly Invitae), Labcorp
Classification: Uncertain significance for Early-infantile DEE. Last evaluated: 2023-12-06. Review status: criteria provided, single submitter. Criteria: Invitae Variant Classification Sherloc (09022015). Collection method: clinical testing. Allele origin: germline.
Comment: This sequence change replaces glutamic acid, which is acidic and polar, with glycine, which is neutral and non-polar, at codon 850 of the KCNH5 protein (p.Glu850Gly). This variant is not present in population databases (gnomAD no frequency). This variant has not been reported in the literature in individuals affected with KCNH5-related conditions. Advanced modeling of protein sequence and biophysical properties (such as structural, functional, and spatial information, amino acid conservation, physicochemical variation, residue mobility, and thermodynamic stability) performed at Invitae indicates that this missense variant is not expected to disrupt KCNH5 protein function with a negative predictive value of 95%. In summary, the available evidence is currently insufficient to determine the role of this variant in disease. Therefore, it has been classified as a Variant of Uncertain Significance.